The following is an entry in ClinVar:

ClinVar aggregate classification (germline): Uncertain significance (1 of 4 stars; one submission).

Conditions:
Cardiovascular phenotype. Identifiers: MedGen CN230736.

gnomAD v4.1: 1 of 1,612,294 alleles (0.000062%); highest among the groups gnomAD compares: Non-Finnish European, 0.000085%; no homozygotes.

Submission:

Ambry Genetics
Classification: Uncertain significance for Cardiovascular phenotype. Last evaluated: 2024-11-27. Review status: criteria provided, single submitter. Criteria: Ambry Variant Classification Scheme 2023. Collection method: clinical testing. Allele origin: germline.
Comment: The p.S1343P variant (also known as c.4027T>C), located in coding exon 50 of the COL1A1 gene, results from a T to C substitution at nucleotide position 4027. The serine at codon 1343 is replaced by proline, an amino acid with similar properties. This amino acid position is not well conserved in available vertebrate species. In addition, the in silico prediction for this alteration is inconclusive. Based on the available evidence, the clinical significance of this variant remains unclear.

NM_000088.4(COL1A1):c.4027T>C (p.Ser1343Pro)

Gene: COL1A1 (collagen type I alpha 1 chain; minus strand). Cytogenetic location: 17q21.33.
Variant type: single nucleotide variant.
Coding change: c.4027T>C on transcript NM_000088.4 (MANE Select); coding-DNA position 4027, T replaced by C.
Protein change: p.Ser1343Pro; replaces serine 1343 with proline.
Molecular consequence: missense variant.
Genome position (GRCh38, 1-based): chr17:50,185,999, A>G on the plus strand (T>C on the coding strand, the complement: COL1A1 is on the minus strand). VCF-style: chr17-50185999-A-G. GRCh37 (hg19) VCF-style: chr17-48263360-A-G.
Other names: short protein forms S1343P.
Identifiers: ClinVar variation 3495202 (VCV003495202.1).
Genomic context (GRCh38, chr17:50,185,999, plus strand): 5'-AGGCCTCGGTGGACATCAGGCGCAGGAAGGTCAGCTGGATGGCCACATCGGCAGGGTCGG[A>G]GCCCTGGCCGCCATACTCGAACTGCAGGGGAGGGGAGAGAGGGAAGAGTGAGCCGCTATG-3'
Protein context (NP_000079.2, residues 1333-1353): GFQFEYGGQG[Ser1343Pro]DPADVAIQLT